The following is an entry in ClinVar:

GRCh38/hg38 2q21.3(chr2:135159262-135492264)x1

Genes: RAB3GAP1 (RAB3 GTPase activating protein catalytic subunit 1; plus strand), ZRANB3 (zinc finger RANBP2-type containing 3; minus strand), LOC122819159 (Sharpr-MPRA regulatory region 426; plus strand), LOC129388922 (MPRA-validated peak3875 silencer; plus strand). Cytogenetic location: 2q21.3.
Variant type: copy number loss.
Change: copy number 1 (one copy instead of two) of chr2:135,159,262-135,492,264 (333.0 kb, GRCh38 coordinates, 1-based), cytogenetic band 2q21.3.
Identifiers: ClinVar variation 4796306 (VCV004796306.1).

ClinVar aggregate classification (germline): Uncertain significance (1 of 4 stars; one submission).

Submission:

Medical Genetic Center, Changzhi Maternal and Child Health Care Hospital
Classification: Uncertain significance. Last evaluated: 2025-12-10. Review status: criteria provided, single submitter. Criteria: ACMG/ClinGen CNV Guidelines, 2019. Collection method: clinical testing. Allele origin: unknown.
Comment: RAB3GAP1 (NM_012233.3, exon 20-24) deletion carrier